The following is an entry in ClinVar:

NM_005491.5(MAMLD1):c.283A>G (p.Met95Val)

Gene: MAMLD1 (mastermind like domain containing 1; plus strand). Cytogenetic location: Xq28.
Variant type: single nucleotide variant.
Coding change: c.283A>G on transcript NM_005491.5 (MANE Select); coding-DNA position 283, A replaced by G.
Protein change: p.Met95Val; replaces methionine 95 with valine.
Molecular consequence: missense variant.
Genome position (GRCh38, 1-based): chrX:150,469,856, A>G. VCF-style: chrX-150469856-A-G. GRCh37 (hg19) VCF-style: chrX-149638128-A-G.
Other names: c.208A>G, p.Met70Val (NM_001177465.3, NM_001177466.3, NM_001400514.1); c.283A>G, p.Met95Val (NM_001400512.1, NM_001400513.1, NM_001400515.1); short protein forms M95V, M70V.
Identifiers: ClinVar variation 3694626 (VCV003694626.2).

ClinVar aggregate classification (germline): Uncertain significance (1 of 4 stars; one submission).

gnomAD v4.1: 1 of 1,209,476 alleles (0.000083%); highest among the groups gnomAD compares: African/African-American, 0.0018%; no homozygotes.

Submission:

Labcorp Genetics (formerly Invitae), Labcorp
Classification: Uncertain significance. Last evaluated: 2024-11-03. Review status: criteria provided, single submitter. Criteria: Invitae Variant Classification Sherloc (09022015). Collection method: clinical testing. Allele origin: germline.
Comment: This sequence change replaces methionine, which is neutral and non-polar, with valine, which is neutral and non-polar, at codon 95 of the MAMLD1 protein (p.Met95Val). This variant is present in population databases (no rsID available, gnomAD 0.02%), including at least one homozygous and/or hemizygous individual. This variant has not been reported in the literature in individuals affected with MAMLD1-related conditions. An algorithm developed to predict the effect of missense changes on protein structure and function outputs the following: PolyPhen-2: "Benign". The valine amino acid residue is found in multiple mammalian species, which suggests that this missense change does not adversely affect protein function. In summary, the available evidence is currently insufficient to determine the role of this variant in disease. Therefore, it has been classified as a Variant of Uncertain Significance.